The following is an entry in ClinVar:

NM_002439.5(MSH3):c.994G>C (p.Ala332Pro)

Genes: MSH3 (mutS homolog 3; plus strand), LOC126807437 (MED14-independent group 3 enhancer GRCh37_chr5:79968379-79969578; plus strand). Cytogenetic location: 5q14.1.
Variant type: single nucleotide variant.
Coding change: c.994G>C on transcript NM_002439.5 (MANE Select); coding-DNA position 994, G replaced by C.
Protein change: p.Ala332Pro; replaces alanine 332 with proline.
Molecular consequence: missense variant.
Genome position (GRCh38, 1-based): chr5:80,672,825, G>C. VCF-style: chr5-80672825-G-C. GRCh37 (hg19) VCF-style: chr5-79968644-G-C.
Other names: short protein forms A332P.
Identifiers: ClinVar variation 1768705 (VCV001768705.4), dbSNP rs2112814354, ClinGen allele CA360267495.

ClinVar aggregate classification (germline): Uncertain significance. Review status: criteria provided, multiple submitters, no conflicts (2 of 4 stars). 2 submissions from 2 submitters: Uncertain significance (2). Last evaluated 2026-02-03.

Conditions:
Hereditary cancer-predisposing syndrome. Also called: Hereditary Cancer Syndrome; Hereditary neoplastic syndrome; Neoplastic Syndromes, Hereditary; Tumor predisposition. Identifiers: Orphanet 140162, MedGen C0027672, MeSH D009386, MONDO:0015356.

Submissions (2):

Labcorp Genetics (formerly Invitae), Labcorp
Classification: Uncertain significance. Last evaluated: 2026-02-03. Review status: criteria provided, single submitter. Criteria: Invitae Variant Classification Sherloc (09022015). Collection method: clinical testing. Allele origin: germline.
Comment: This sequence change replaces alanine, which is neutral and non-polar, with proline, which is neutral and non-polar, at codon 332 of the MSH3 protein (p.Ala332Pro). This variant is not present in population databases (gnomAD no frequency). This variant has not been reported in the literature in individuals affected with MSH3-related conditions. ClinVar contains an entry for this variant (Variation ID: 1768705). An algorithm developed to predict the effect of missense changes on protein structure and function (PolyPhen-2) suggests that this variant is likely to be disruptive. In summary, the available evidence is currently insufficient to determine the role of this variant in disease. Therefore, it has been classified as a Variant of Uncertain Significance.

Ambry Genetics
Classification: Uncertain significance for Hereditary cancer-predisposing syndrome. Last evaluated: 2024-03-06. Review status: criteria provided, single submitter. Criteria: Ambry Variant Classification Scheme 2023. Collection method: clinical testing. Allele origin: germline.
Comment: The p.A332P variant (also known as c.994G>C), located in coding exon 6 of the MSH3 gene, results from a G to C substitution at nucleotide position 994. The alanine at codon 332 is replaced by proline, an amino acid with highly similar properties. This amino acid position is conserved. In addition, this alteration is predicted to be deleterious by in silico analysis. Since supporting evidence is limited at this time, the clinical significance of this alteration remains unclear.